The following is an entry in ClinVar:

NM_000443.4(ABCB4):c.2169del (p.Leu724fs)

Gene: ABCB4 (ATP binding cassette subfamily B member 4; minus strand). Cytogenetic location: 7q21.12.
Variant type: Deletion.
Coding change: c.2169del on transcript NM_000443.4 (MANE Select); coding-DNA position 2169, one base deleted (G; older notation c.2169delG).
Protein change: p.Leu724fs; shifts the reading frame from leucine 724.
Molecular consequence: frameshift variant.
Genome position (GRCh38, 1-based): chr7:87,423,948, C deleted on the plus strand (G on the coding strand, the reverse complement: ABCB4 is on the minus strand); the first of 6 consecutive C bases (chr7:87,423,948-87,423,953); deleting any one gives the same sequence. VCF-style (leftmost placement, unchanged base first): chr7-87423947-GC-G. GRCh37 (hg19) VCF-style: chr7-87053263-GC-G.
Other names: c.2169del, p.Leu724fs (NM_018849.3, NM_018850.3); short protein forms L724fs.
Identifiers: ClinVar variation 3239153 (VCV003239153.19), dbSNP rs387906529.

ClinVar aggregate classification (germline): Pathogenic (1 of 4 stars; one submission).

Submission:

CeGaT Center for Human Genetics Tuebingen
Classification: Pathogenic. Last evaluated: 2024-05-01. Review status: criteria provided, single submitter. Criteria: CeGaT Center For Human Genetics Tuebingen Variant Classification Criteria Version 2. Collection method: clinical testing. Allele origin: germline. Affected: yes. Observed: 1 variant allele.
Comment: ABCB4: PVS1, PM2, PS4:Supporting